The following is an entry in ClinVar:

ClinVar aggregate classification (germline): Uncertain significance (1 of 4 stars; one submission).

Conditions:
Immunodeficiency 104. Also called: Severe combined immunodeficiency, autosomal recessive, T cell-negative, B cell-positive, NK cell-positive; SCID, AUTOSOMAL RECESSIVE, T CELL-NEGATIVE, B CELL-POSITIVE, NK CELL-POSITIVE; Severe Combined Immune Deficiency, Autosomal Recessive, TCell -Negative, B Cell-Positive, NK Cell-Positive, IL7R-Related; IMMUNODEFICIENCY 104, SEVERE COMBINED. Identifiers: MedGen C5676890, MONDO:0012163, OMIM 608971.

Allele frequency attached by ClinVar (database versions not stated): gnomAD 0.00001; TOPMed 0.00001.
gnomAD v4.1: 4 of 1,613,386 alleles (0.00025%); highest among the groups gnomAD compares: Non-Finnish European, 0.00034%; no homozygotes.

Submission:

Labcorp Genetics (formerly Invitae), Labcorp
Classification: Uncertain significance for Immunodeficiency 104. Last evaluated: 2022-06-13. Review status: criteria provided, single submitter. Criteria: Invitae Variant Classification Sherloc (09022015). Collection method: clinical testing. Allele origin: germline.
Comment: This sequence change replaces methionine, which is neutral and non-polar, with leucine, which is neutral and non-polar, at codon 491 of the PTPRC protein (p.Met491Leu). This variant is present in population databases (no rsID available, gnomAD 0.0009%). This variant has not been reported in the literature in individuals affected with PTPRC-related conditions. ClinVar contains an entry for this variant (Variation ID: 533059). Algorithms developed to predict the effect of missense changes on protein structure and function output the following: SIFT: "Tolerated"; PolyPhen-2: "Benign"; Align-GVGD: "Class C0". The leucine amino acid residue is found in multiple mammalian species, which suggests that this missense change does not adversely affect protein function. In summary, the available evidence is currently insufficient to determine the role of this variant in disease. Therefore, it has been classified as a Variant of Uncertain Significance.

NM_002838.5(PTPRC):c.1471A>C (p.Met491Leu)

Gene: PTPRC (protein tyrosine phosphatase receptor type C; plus strand). Cytogenetic location: 1q32.1.
Variant type: single nucleotide variant.
Coding change: c.1471A>C on transcript NM_002838.5 (MANE Select); coding-DNA position 1471, A replaced by C.
Protein change: p.Met491Leu; replaces methionine 491 with leucine.
Molecular consequence: missense variant.
Genome position (GRCh38, 1-based): chr1:198,718,114, A>C. VCF-style: chr1-198718114-A-C. GRCh37 (hg19) VCF-style: chr1-198687243-A-C.
Other names: c.988A>C, p.Met330Leu (NM_080921.4); short protein forms M491L, M330L.
Identifiers: ClinVar variation 533059 (VCV000533059.6), dbSNP rs910573647, ClinGen allele CA35893520.
Genomic context (GRCh38, chr1:198,718,114, plus strand): 5'-TATTAAATTATTAATAACAAATCTTTCTTCATTTTGATAGCTCCAAGCCAGGTCTGGAAC[A>C]TGACTGTCTCCATGACATCAGATAATAGTATGCATGTCAAGTGTAGGCCTCCCAGGGACC-3'
Protein context (NP_002829.3, residues 481-501): KSAPPSQVWN[Met491Leu]TVSMTSDNSM